The following is an entry in ClinVar:

ClinVar aggregate classification (germline): Likely benign (1 of 4 stars; one submission).

gnomAD v4.1: 2 of 1,605,096 alleles (0.00012%); highest among the groups gnomAD compares: Admixed American, 0.0035%; no homozygotes.

Submission:

CeGaT Center for Human Genetics Tuebingen
Classification: Likely benign. Last evaluated: 2025-08-01. Review status: criteria provided, single submitter. Criteria: CeGaT Center For Human Genetics Tuebingen Variant Classification Criteria Version 2. Collection method: clinical testing. Allele origin: germline. Affected: yes. Observed: 1 variant allele.
Comment: DNAH11: BP4, BP7

NM_001277115.2(DNAH11):c.1992T>C (p.Asp664=)

Gene: DNAH11 (dynein axonemal heavy chain 11; plus strand). Cytogenetic location: 7p15.3.
Variant type: single nucleotide variant.
Coding change: c.1992T>C on transcript NM_001277115.2 (MANE Select); coding-DNA position 1992, T replaced by C.
Protein change: p.Asp664=; no amino-acid change (aspartic acid 664 retained).
Molecular consequence: synonymous variant.
Genome position (GRCh38, 1-based): chr7:21,589,226, T>C. VCF-style: chr7-21589226-T-C. GRCh37 (hg19) VCF-style: chr7-21628844-T-C.
Identifiers: ClinVar variation 4085981 (VCV004085981.8).
Genomic context (GRCh38, chr7:21,589,226, plus strand): 5'-CTAATATACGTATAAACCAGTAGAAAAACCTTATTCCTACAGATTTTTGGGCAATCCTGA[T>C]CACGCTTTAGTTTATCAAAAGTATGTTGAAATGACCACTTTGCTTGATCAATTTGAAAGT-3'
Protein context (NP_001264044.1, residues 654-674): SLRYLFLGNP[Asp664=]HALVYQKYVE